The following is an entry in ClinVar:

NM_001367721.1(CASK):c.1368A>G (p.Ala456=)

Gene: CASK (calcium/calmodulin dependent serine protein kinase; minus strand). Cytogenetic location: Xp11.4.
Variant type: single nucleotide variant.
Coding change: c.1368A>G on transcript NM_001367721.1 (MANE Select); coding-DNA position 1368, A replaced by G.
Protein change: p.Ala456=; no amino-acid change (alanine 456 retained).
Molecular consequence: synonymous variant.
Genome position (GRCh38, 1-based): chrX:41,578,475, T>C on the plus strand (A>G on the coding strand, the complement: CASK is on the minus strand). VCF-style: chrX-41578475-T-C. GRCh37 (hg19) VCF-style: chrX-41437728-T-C.
Other names: c.1368A>G, p.Ala456= (NM_001126054.3, NM_003688.4); c.1350A>G, p.Ala450= (NM_001126055.3, NM_001410745.1).
Identifiers: ClinVar variation 681379 (VCV000681379.6), dbSNP rs1602292289, ClinGen allele CA516107320.

ClinVar aggregate classification (germline): Likely benign. Review status: criteria provided, multiple submitters, no conflicts (2 of 4 stars). 2 submissions from 2 submitters: Likely benign (2). Last evaluated 2022-05-28.

Conditions:
Intellectual disability, CASK-related, X-linked. Identifiers: MedGen CN043158.

Allele frequency attached by ClinVar (database versions not stated): gnomAD exomes below 0.00001; gnomAD 0.00001; TOPMed 0.00001.
gnomAD v4.1: 2 of 1,207,184 alleles (0.00017%); highest among the groups gnomAD compares: African/African-American, 0.0035%; no homozygotes.

Submissions (2):

Labcorp Genetics (formerly Invitae), Labcorp
Classification: Likely benign for Intellectual disability, CASK-related, X-linked. Last evaluated: 2022-05-28. Review status: criteria provided, single submitter. Criteria: Invitae Variant Classification Sherloc (09022015). Collection method: clinical testing. Allele origin: germline.

GeneDx
Classification: Likely benign. Last evaluated: 2018-04-02. Review status: criteria provided, single submitter. Criteria: GeneDx Variant Classification (06012015). Collection method: clinical testing. Allele origin: germline. Affected: yes.
Comment: This variant is considered likely benign or benign based on one or more of the following criteria: it is a conservative change, it occurs at a poorly conserved position in the protein, it is predicted to be benign by multiple in silico algorithms, and/or has population frequency not consistent with disease.